The following is an entry in ClinVar:

ClinVar aggregate classification (germline): Uncertain significance (1 of 4 stars; one submission).

Conditions:
Adult-onset proximal spinal muscular atrophy, autosomal dominant. Also called: Spinal muscular atrophy, late-onset, finkel type; FINKEL LATE-ADULT TYPE SMA. Identifiers: Orphanet 209335, MedGen C1854058, MONDO:0008453, OMIM 182980.
Amyotrophic lateral sclerosis type 8 (ALS8). Identifiers: Orphanet 803, MedGen C1837728, MONDO:0012077, OMIM 608627.

Allele frequency attached by ClinVar (database versions not stated): gnomAD below 0.00001 and 0.00001.

Submission:

Labcorp Genetics (formerly Invitae), Labcorp
Classification: Uncertain significance for Adult-onset proximal spinal muscular atrophy, autosomal dominant; Amyotrophic lateral sclerosis type 8. Last evaluated: 2018-09-20. Review status: criteria provided, single submitter. Criteria: Invitae Variant Classification Sherloc (09022015). Collection method: clinical testing. Allele origin: germline.
Comment: In summary, the available evidence is currently insufficient to determine the role of this variant in disease. Therefore, it has been classified as a Variant of Uncertain Significance. Algorithms developed to predict the effect of missense changes on protein structure and function are either unavailable or do not agree on the potential impact of this missense change (SIFT: "Tolerated"; PolyPhen-2: "Probably Damaging"; Align-GVGD: "Class C0). This variant has not been reported in the literature in individuals with VAPB-related disease. This variant is not present in population databases (ExAC no frequency). This sequence change replaces arginine with proline at codon 223 of the VAPB protein (p.Arg223Pro). The arginine residue is moderately conserved and there is a moderate physicochemical difference between arginine and proline.

NM_004738.5(VAPB):c.668G>C (p.Arg223Pro)

Gene: VAPB (VAMP associated protein B and C; plus strand). Cytogenetic location: 20q13.32.
Variant type: single nucleotide variant.
Coding change: c.668G>C on transcript NM_004738.5 (MANE Select); coding-DNA position 668, G replaced by C.
Protein change: p.Arg223Pro; replaces arginine 223 with proline.
Molecular consequence: missense variant. On other transcripts: 3 prime UTR variant (1), non-coding transcript variant (1).
Genome position (GRCh38, 1-based): chr20:58,444,171, G>C. VCF-style: chr20-58444171-G-C. GRCh37 (hg19) VCF-style: chr20-57019227-G-C.
Other names: c.*6G>C (NM_001195677.2); short protein forms R223P.
Identifiers: ClinVar variation 639834 (VCV000639834.9), dbSNP rs763755820, ClinGen allele CA409440294.
Genomic context (GRCh38, chr20:58,444,171, plus strand): 5'-AGAGCAACAGCCCCATTTCAGCATTAGCCCCAACTGGGAAGGAAGAAGGCCTTAGCACCC[G>C]GCTCTTGGCTCTGGTGGTTTTGTTCTTTATCGTTGGTGTAATTATTGGGAAGATTGCCTT-3'
Protein context (NP_004729.1, residues 213-233): PTGKEEGLST[Arg223Pro]LLALVVLFFI